The following is an entry in ClinVar:

ClinVar aggregate classification (germline): Uncertain significance (1 of 4 stars; one submission).

Allele frequency attached by ClinVar (database versions not stated): gnomAD exomes below 0.00001; gnomAD 0.00001; TOPMed 0.00001.

Submission:

Labcorp Genetics (formerly Invitae), Labcorp
Classification: Uncertain significance. Last evaluated: 2022-07-05. Review status: criteria provided, single submitter. Criteria: Invitae Variant Classification Sherloc (09022015). Collection method: clinical testing. Allele origin: germline.
Comment: Algorithms developed to predict the effect of missense changes on protein structure and function (SIFT, PolyPhen-2, Align-GVGD) all suggest that this variant is likely to be tolerated. This variant has not been reported in the literature in individuals affected with ATP5D-related conditions. This variant is not present in population databases (gnomAD no frequency). This sequence change replaces aspartic acid, which is acidic and polar, with glycine, which is neutral and non-polar, at codon 91 of the ATP5D protein (p.Asp91Gly). In summary, the available evidence is currently insufficient to determine the role of this variant in disease. Therefore, it has been classified as a Variant of Uncertain Significance.

NM_001687.5(ATP5F1D):c.272A>G (p.Asp91Gly)

Gene: ATP5F1D (ATP synthase F1 subunit delta; plus strand). Cytogenetic location: 19p13.3.
Variant type: single nucleotide variant.
Coding change: c.272A>G on transcript NM_001687.5 (MANE Select); coding-DNA position 272, A replaced by G.
Protein change: p.Asp91Gly; replaces aspartic acid 91 with glycine.
Molecular consequence: missense variant.
Genome position (GRCh38, 1-based): chr19:1,242,586, A>G. VCF-style: chr19-1242586-A-G. GRCh37 (hg19) VCF-style: chr19-1242585-A-G.
Other names: c.272A>G, p.Asp91Gly (NM_001001975.2); short protein forms D91G.
Identifiers: ClinVar variation 1958423 (VCV001958423.5), dbSNP rs1308526236, ClinGen allele CA402980530.